The following is an entry in ClinVar:

NM_005732.4(RAD50):c.922T>C (p.Tyr308His)

Gene: RAD50 (RAD50 double strand break repair protein; plus strand). Cytogenetic location: 5q31.1.
Variant type: single nucleotide variant.
Coding change: c.922T>C on transcript NM_005732.4 (MANE Select); coding-DNA position 922, T replaced by C.
Protein change: p.Tyr308His; replaces tyrosine 308 with histidine.
Molecular consequence: missense variant.
Genome position (GRCh38, 1-based): chr5:132,587,960, T>C. VCF-style: chr5-132587960-T-C. GRCh37 (hg19) VCF-style: chr5-131923652-T-C.
Other names: short protein forms Y308H.
Identifiers: ClinVar variation 187179 (VCV000187179.13), dbSNP rs786203530, ClinGen allele CA196935.
Genomic context (GRCh38, chr5:132,587,960, plus strand): 5'-GCTTTTTATTTTGGTGTTACACAGGTTTTTCAAGGGACTGATGAGCAACTAAATGACTTA[T>C]ATCACAATCACCAGAGAACAGTAAGGGAGAAAGAAAGGAAATTGGTAGACTGTCATCGTG-3'
Protein context (NP_005723.2, residues 298-318): QGTDEQLNDL[Tyr308His]HNHQRTVREK

ClinVar aggregate classification (germline): Uncertain significance. Review status: criteria provided, multiple submitters, no conflicts (2 of 4 stars). 3 submissions from 3 submitters: Uncertain significance (3). Last evaluated 2025-06-13.

Conditions:
Hereditary cancer-predisposing syndrome. Also called: Neoplastic Syndromes, Hereditary; Tumor predisposition; Hereditary Cancer Syndrome; Hereditary neoplastic syndrome. Identifiers: Orphanet 140162, MedGen C0027672, MeSH D009386, MONDO:0015356.

gnomAD v4.1: 3 of 1,613,234 alleles (0.00019%); highest among the groups gnomAD compares: East Asian, 0.0067%; no homozygotes.

Submissions (3):

Ambry Genetics
Classification: Uncertain significance for Hereditary cancer-predisposing syndrome. Last evaluated: 2025-06-13. Review status: criteria provided, single submitter. Criteria: Ambry Variant Classification Scheme 2023. Collection method: clinical testing. Allele origin: germline.
Comment: The p.Y308H variant (also known as c.922T>C), located in coding exon 7 of the RAD50 gene, results from a T to C substitution at nucleotide position 922. The tyrosine at codon 308 is replaced by histidine, an amino acid with similar properties. This amino acid position is highly conserved in available vertebrate species. In addition, the in silico prediction for this alteration is inconclusive. Since supporting evidence is limited at this time, the clinical significance of this alteration remains unclear.

Quest Diagnostics Nichols Institute San Juan Capistrano
Classification: Uncertain significance. Last evaluated: 2025-06-03. Review status: criteria provided, single submitter. Criteria: Quest Diagnostics criteria. Collection method: clinical testing. Allele origin: unknown.
Comment: The RAD50 c.922T>C (p.Tyr308His) variant has been reported in the published literature in an individual with colorectal cancer (PMID: 29338072 (2018)), as well as in a reportedly unaffected individual in a large scale breast cancer association study (PMID: 33471991 (2021), see also LOVD). This variant has not been reported in large, multi-ethnic general populations (Genome Aggregation Database). Analysis of this variant using bioinformatics tools for the prediction of the effect of amino acid changes on protein structure and function yielded conflicting predictions that this variant is benign or damaging. Based on the available information, we are unable to determine the clinical significance of this variant.

Labcorp Genetics (formerly Invitae), Labcorp
Classification: Uncertain significance for Hereditary cancer-predisposing syndrome. Last evaluated: 2024-05-21. Review status: criteria provided, single submitter. Criteria: Invitae Variant Classification Sherloc (09022015). Collection method: clinical testing. Allele origin: germline.
Comment: This sequence change replaces tyrosine, which is neutral and polar, with histidine, which is basic and polar, at codon 308 of the RAD50 protein (p.Tyr308His). This variant is not present in population databases (gnomAD no frequency). This variant has not been reported in the literature in individuals affected with RAD50-related conditions. ClinVar contains an entry for this variant (Variation ID: 187179). Advanced modeling of protein sequence and biophysical properties (such as structural, functional, and spatial information, amino acid conservation, physicochemical variation, residue mobility, and thermodynamic stability) has been performed at Invitae for this missense variant, however the output from this modeling did not meet the statistical confidence thresholds required to predict the impact of this variant on RAD50 protein function. In summary, the available evidence is currently insufficient to determine the role of this variant in disease. Therefore, it has been classified as a Variant of Uncertain Significance.

Literature cited by the submitters: PubMed 33471991 (cited by Quest Diagnostics Nichols Institute San Juan Capistrano); PubMed 29338072 (cited by Quest Diagnostics Nichols Institute San Juan Capistrano).